The following is an entry in ClinVar:

ClinVar aggregate classification (germline): Uncertain significance (1 of 4 stars; one submission).

Conditions:
Bethlem myopathy 1A. Also called: Bethlem myopathy 1; MYOPATHY, BENIGN CONGENITAL, WITH CONTRACTURES; Bethlem Muscular Dystrophy. Identifiers: Orphanet 610, MedGen CN029274, MONDO:0024530, OMIM 158810.

Allele frequency attached by ClinVar (database versions not stated): gnomAD 0.00001.
gnomAD v4.1: 1 of 1,613,814 alleles (0.000062%); highest among the groups gnomAD compares: African/African-American, 0.0013%; no homozygotes.

Submission:

Labcorp Genetics (formerly Invitae), Labcorp
Classification: Uncertain significance for Bethlem myopathy 1A. Last evaluated: 2023-02-08. Review status: criteria provided, single submitter. Criteria: Invitae Variant Classification Sherloc (09022015). Collection method: clinical testing. Allele origin: germline.
Comment: In summary, the available evidence is currently insufficient to determine the role of this variant in disease. Therefore, it has been classified as a Variant of Uncertain Significance. Advanced modeling of protein sequence and biophysical properties (such as structural, functional, and spatial information, amino acid conservation, physicochemical variation, residue mobility, and thermodynamic stability) has been performed at Invitae for this missense variant, however the output from this modeling did not meet the statistical confidence thresholds required to predict the impact of this variant on COL6A1 protein function. This variant has not been reported in the literature in individuals affected with COL6A1-related conditions. This variant is not present in population databases (gnomAD no frequency). This sequence change replaces cysteine, which is neutral and slightly polar, with serine, which is neutral and polar, at codon 606 of the COL6A1 protein (p.Cys606Ser).

NM_001848.3(COL6A1):c.1816T>A (p.Cys606Ser)

Gene: COL6A1 (collagen type VI alpha 1 chain; plus strand). Cytogenetic location: 21q22.3.
Variant type: single nucleotide variant.
Coding change: c.1816T>A on transcript NM_001848.3 (MANE Select); coding-DNA position 1816, T replaced by A.
Protein change: p.Cys606Ser; replaces cysteine 606 with serine.
Molecular consequence: missense variant.
Genome position (GRCh38, 1-based): chr21:46,000,761, T>A. VCF-style: chr21-46000761-T-A. GRCh37 (hg19) VCF-style: chr21-47420675-T-A.
Other names: short protein forms C606S.
Identifiers: ClinVar variation 2835427 (VCV002835427.3), dbSNP rs2077839511, ClinGen allele CA410532589.
Genomic context (GRCh38, chr21:46,000,761, plus strand): 5'-CTGACGTGCGCAGGACGCGGCCCTGACTGGTCTAACTGACTCTTTCTCTTCTCCTCAGCT[T>A]GCTGTGGTGAGACCCAGGCTCTAGCTCCTGAGAGAATGGATCCCGGGGGTCGGGGAGCGA-3'
Protein context (NP_001839.2, residues 596-616): ILDIIMKMCS[Cys606Ser]CECKCGPIDL